The following is an entry in ClinVar:

ClinVar aggregate classification (germline): Uncertain significance (1 of 4 stars; one submission).

Submission:

Labcorp Genetics (formerly Invitae), Labcorp
Classification: Uncertain significance. Last evaluated: 2023-09-23. Review status: criteria provided, single submitter. Criteria: Invitae Variant Classification Sherloc (09022015). Collection method: clinical testing. Allele origin: germline.
Comment: This sequence change replaces alanine, which is neutral and non-polar, with valine, which is neutral and non-polar, at codon 713 of the MCM4 protein (p.Ala713Val). This variant is not present in population databases (gnomAD no frequency). This variant has not been reported in the literature in individuals affected with MCM4-related conditions. An algorithm developed to predict the effect of missense changes on protein structure and function (PolyPhen-2) suggests that this variant is likely to be disruptive. In summary, the available evidence is currently insufficient to determine the role of this variant in disease. Therefore, it has been classified as a Variant of Uncertain Significance.

NM_182746.3(MCM4):c.2138C>T (p.Ala713Val)

Gene: MCM4 (minichromosome maintenance complex component 4; plus strand). Cytogenetic location: 8q11.21.
Variant type: single nucleotide variant.
Coding change: c.2138C>T on transcript NM_182746.3 (MANE Select); coding-DNA position 2138, C replaced by T.
Protein change: p.Ala713Val; replaces alanine 713 with valine.
Molecular consequence: missense variant.
Genome position (GRCh38, 1-based): chr8:47,974,735, C>T. VCF-style: chr8-47974735-C-T. GRCh37 (hg19) VCF-style: chr8-48887295-C-T.
Other names: c.2138C>T, p.Ala713Val (NM_005914.4); short protein forms A713V.
Identifiers: ClinVar variation 2762874 (VCV002762874.3), dbSNP rs746730407, ClinGen allele CA371155491.